The following is an entry in ClinVar:

ClinVar aggregate classification (germline): Uncertain significance (1 of 4 stars; one submission).

gnomAD v4.1: 19 of 1,610,836 alleles (0.0012%); highest among the groups gnomAD compares: African/African-American, 0.0027%; no homozygotes.

Submission:

Labcorp Genetics (formerly Invitae), Labcorp
Classification: Uncertain significance. Last evaluated: 2025-05-07. Review status: criteria provided, single submitter. Criteria: Invitae Variant Classification Sherloc (09022015). Collection method: clinical testing. Allele origin: germline.
Comment: This sequence change replaces glycine, which is neutral and non-polar, with arginine, which is basic and polar, at codon 1485 of the NIN protein (p.Gly1485Arg). This variant is present in population databases (no rsID available, gnomAD 0.007%). This variant has not been reported in the literature in individuals affected with NIN-related conditions. An algorithm developed to predict the effect of missense changes on protein structure and function (PolyPhen-2) suggests that this variant is likely to be tolerated. In summary, the available evidence is currently insufficient to determine the role of this variant in disease. Therefore, it has been classified as a Variant of Uncertain Significance.

NM_020921.4(NIN):c.4453G>A (p.Gly1485Arg)

Gene: NIN (ninein; minus strand). Cytogenetic location: 14q22.1.
Variant type: single nucleotide variant.
Coding change: c.4453G>A on transcript NM_020921.4 (MANE Select); coding-DNA position 4453, G replaced by A.
Protein change: p.Gly1485Arg; replaces glycine 1485 with arginine.
Molecular consequence: missense variant. On other transcripts: intron variant (1).
Genome position (GRCh38, 1-based): chr14:50,756,577, C>T on the plus strand (G>A on the coding strand, the complement: NIN is on the minus strand). VCF-style: chr14-50756577-C-T. GRCh37 (hg19) VCF-style: chr14-51223295-C-T.
Other names: c.4453G>A, p.Gly1485Arg (NM_182944.3, NM_182946.2); c.2400-1710G>A (NM_016350.5); short protein forms G1485R.
Identifiers: ClinVar variation 4694276 (VCV004694276.1).
Genomic context (GRCh38, chr14:50,756,577, plus strand): 5'-TCTCACTGCACGTGATCTGCAAGTCATGCATCATTGCCTTCAGCTCTTCCTCCTTTTCTC[C>T]GTGAGAAAGTACATCTTTTTGCTTAACTAAAATAGTGACTCTCTCCTTCAACTTCCTAGT-3'
Protein context (NP_065972.4, residues 1475-1495): LVKQKDVLSH[Gly1485Arg]EKEEELKAMM